The following is an entry in ClinVar:

ClinVar aggregate classification (germline): Likely benign. Review status: criteria provided, multiple submitters, no conflicts (2 of 4 stars). 5 submissions from 5 submitters: Likely benign (2). 3 of the submissions do not count toward it. Last evaluated 2026-01-14.

Conditions:
LYST-related disorder. Also called: LYST-related condition.
Chédiak-Higashi syndrome (CHS). Also called: Chediak-Higashi Syndrome. Identifiers: Orphanet 167, MedGen C0007965, MONDO:0008963, OMIM 214500.

Allele frequency attached by ClinVar (database versions not stated): gnomAD 0.00005 and 0.00006; gnomAD exomes 0.00006 and 0.00007; ExAC 0.00008; TOPMed 0.00003.
gnomAD v4.1: 100 of 1,611,970 alleles (0.0062%); highest among the groups gnomAD compares: Non-Finnish European, 0.0076%; no homozygotes.

Submissions (5):

Labcorp Genetics (formerly Invitae), Labcorp
Classification: Likely benign for Chédiak-Higashi syndrome. Last evaluated: 2026-01-14. Review status: criteria provided, single submitter. Criteria: Invitae Variant Classification Sherloc (09022015). Collection method: clinical testing. Allele origin: germline.

Women's Health and Genetics/Laboratory Corporation of America, LabCorp
Classification: Likely benign. Last evaluated: 2025-05-05. Review status: criteria provided, single submitter. Criteria: LabCorp Variant Classification Summary - May 2015. Collection method: clinical testing. Allele origin: germline.

PreventionGenetics, part of Exact Sciences
Classification: Likely benign for LYST-related condition. Last evaluated: 2021-09-08. Review status: no assertion criteria provided. Collection method: clinical testing. Allele origin: germline. Not counted in ClinVar's aggregate classification.
Comment: This variant is classified as likely benign based on ACMG/AMP sequence variant interpretation guidelines (Richards et al. 2015 PMID: 25741868, with internal and published modifications).

Clinical Genetics DNA and cytogenetics Diagnostics Lab, Erasmus MC, Erasmus Medical Center
Classification: Likely benign. Review status: no assertion criteria provided. Collection method: clinical testing. Allele origin: germline. Affected: yes. Study: VKGL Data-share Consensus. Not counted in ClinVar's aggregate classification.

Clinical Genetics, Academic Medical Center
Classification: Benign. Review status: no assertion criteria provided. Collection method: clinical testing. Allele origin: germline. Affected: yes. Study: VKGL Data-share Consensus. Not counted in ClinVar's aggregate classification.

NM_000081.4(LYST):c.6258G>A (p.Glu2086=)

Gene: LYST (lysosomal trafficking regulator; minus strand). Cytogenetic location: 1q42.3.
Variant type: single nucleotide variant.
Coding change: c.6258G>A on transcript NM_000081.4 (MANE Select); coding-DNA position 6258, G replaced by A.
Protein change: p.Glu2086=; no amino-acid change (glutamic acid 2086 retained).
Molecular consequence: synonymous variant.
Genome position (GRCh38, 1-based): chr1:235,759,595, C>T on the plus strand (G>A on the coding strand, the complement: LYST is on the minus strand). VCF-style: chr1-235759595-C-T. GRCh37 (hg19) VCF-style: chr1-235922895-C-T.
Other names: c.6258G>A, p.Glu2086= (NM_001301365.1).
Identifiers: ClinVar variation 782978 (VCV000782978.13), dbSNP rs771882274, ClinGen allele CA1466396.